The following is an entry in ClinVar:

NM_001040108.2(MLH3):c.815T>C (p.Leu272Ser)

Gene: MLH3 (mutL homolog 3; minus strand). Cytogenetic location: 14q24.3.
Variant type: single nucleotide variant.
Coding change: c.815T>C on transcript NM_001040108.2 (MANE Select); coding-DNA position 815, T replaced by C.
Protein change: p.Leu272Ser; replaces leucine 272 with serine.
Molecular consequence: missense variant.
Genome position (GRCh38, 1-based): chr14:75,048,841, A>G on the plus strand (T>C on the coding strand, the complement: MLH3 is on the minus strand). VCF-style: chr14-75048841-A-G. GRCh37 (hg19) VCF-style: chr14-75515544-A-G.
Other names: c.815T>C, p.Leu272Ser (NM_014381.3); short protein forms L272S.
Identifiers: ClinVar variation 4826066 (VCV004826066.1).

ClinVar aggregate classification (germline): Uncertain significance (1 of 4 stars; one submission).

Submission:

Ambry Genetics
Classification: Uncertain significance. Last evaluated: 2026-03-08. Review status: criteria provided, single submitter. Criteria: Ambry Variant Classification Scheme 2023. Collection method: clinical testing. Allele origin: germline.
Comment: The p.L272S variant (also known as c.815T>C), located in coding exon 1 of the MLH3 gene, results from a T to C substitution at nucleotide position 815. The leucine at codon 272 is replaced by serine, an amino acid with dissimilar properties. This amino acid position is conserved. In addition, this alteration is predicted to be deleterious by in silico analysis. Based on the available evidence, the clinical significance of this variant remains unclear.